The following is an entry in ClinVar:

ClinVar aggregate classification (germline): Likely benign (1 of 4 stars; one submission).

Allele frequency attached by ClinVar (database versions not stated): ExAC 0.00024; gnomAD 0.00025; TOPMed 0.00031; ESP Exome Variant Server 0.00054; 1000 Genomes Project 0.00060; 1000 Genomes Project 30x 0.00062.
gnomAD v4.1: 363 of 1,614,194 alleles (0.022%); highest among the groups gnomAD compares: Middle Eastern, 0.41%; 2 homozygotes.

Submission:

CeGaT Center for Human Genetics Tuebingen
Classification: Likely benign. Last evaluated: 2022-07-01. Review status: criteria provided, single submitter. Criteria: CeGaT Center For Human Genetics Tuebingen Variant Classification Criteria Version 2. Collection method: clinical testing. Allele origin: germline. Affected: yes. Observed: 2 variant alleles.
Comment: CYP2S1: BP4, BP7

NM_030622.8(CYP2S1):c.771G>C (p.Gly257=)

Gene: CYP2S1 (cytochrome P450 family 2 subfamily S member 1; plus strand). Cytogenetic location: 19q13.2.
Variant type: single nucleotide variant.
Coding change: c.771G>C on transcript NM_030622.8 (MANE Select); coding-DNA position 771, G replaced by C.
Protein change: p.Gly257=; no amino-acid change (glycine 257 retained).
Molecular consequence: synonymous variant.
Genome position (GRCh38, 1-based): chr19:41,198,825, G>C. VCF-style: chr19-41198825-G-C. GRCh37 (hg19) VCF-style: chr19-41704730-G-C.
Identifiers: ClinVar variation 2649922 (VCV002649922.24), dbSNP rs145165448, ClinGen allele CA9457506.